The following is an entry in ClinVar:

NM_001370595.2(COA8):c.414A>C (p.Glu138Asp)

Gene: COA8 (cytochrome c oxidase assembly factor 8; plus strand). Cytogenetic location: 14q32.33.
Variant type: single nucleotide variant.
Coding change: c.414A>C on transcript NM_001370595.2 (MANE Select); coding-DNA position 414, A replaced by C.
Protein change: p.Glu138Asp; replaces glutamic acid 138 with aspartic acid.
Molecular consequence: missense variant. On other transcripts: non-coding transcript variant (2).
Genome position (GRCh38, 1-based): chr14:103,587,302, A>C. VCF-style: chr14-103587302-A-C. GRCh37 (hg19) VCF-style: chr14-104053639-A-C.
Other names: c.502A>C, p.Asn168His (NM_001302653.2); c.453A>C, p.Glu151Asp (NM_032374.4); short protein forms N168H, E138D, E151D.
Identifiers: ClinVar variation 2023227 (VCV002023227.4), dbSNP rs778222675, ClinGen allele CA391115787.

ClinVar aggregate classification (germline): Uncertain significance (1 of 4 stars; one submission).

gnomAD v4.1: 1 of 1,613,606 alleles (0.000062%); highest among the groups gnomAD compares: African/African-American, 0.0013%; no homozygotes.

Submission:

Labcorp Genetics (formerly Invitae), Labcorp
Classification: Uncertain significance. Last evaluated: 2022-08-09. Review status: criteria provided, single submitter. Criteria: Invitae Variant Classification Sherloc (09022015). Collection method: clinical testing. Allele origin: germline.
Comment: In summary, the available evidence is currently insufficient to determine the role of this variant in disease. Therefore, it has been classified as a Variant of Uncertain Significance. Algorithms developed to predict the effect of missense changes on protein structure and function are either unavailable or do not agree on the potential impact of this missense change (SIFT: "Deleterious"; PolyPhen-2: "Benign"; Align-GVGD: "Class C0"). This variant has not been reported in the literature in individuals affected with APOPT1-related conditions. This variant is present in population databases (no rsID available, gnomAD 0.007%). This sequence change replaces glutamic acid, which is acidic and polar, with aspartic acid, which is acidic and polar, at codon 151 of the APOPT1 protein (p.Glu151Asp).